The following is an entry in ClinVar:

NM_000321.3(RB1):c.871G>A (p.Val291Ile)

Gene: RB1 (RB transcriptional corepressor 1; plus strand). Cytogenetic location: 13q14.2.
Variant type: single nucleotide variant.
Coding change: c.871G>A on transcript NM_000321.3 (MANE Select); coding-DNA position 871, G replaced by A.
Protein change: p.Val291Ile; replaces valine 291 with isoleucine.
Molecular consequence: missense variant.
Genome position (GRCh38, 1-based): chr13:48,364,903, G>A. VCF-style: chr13-48364903-G-A. GRCh37 (hg19) VCF-style: chr13-48939039-G-A.
Other names: c.871G>A, p.Val291Ile (NM_001407165.1, NM_001407166.1); short protein forms V291I.
Identifiers: ClinVar variation 1764438 (VCV001764438.7), dbSNP rs2542184997, ClinGen allele CA388159861.

ClinVar aggregate classification (germline): Uncertain significance. Review status: criteria provided, multiple submitters, no conflicts (2 of 4 stars). 3 submissions from 3 submitters: Uncertain significance (3). Last evaluated 2025-10-03.

Conditions:
Hereditary cancer-predisposing syndrome. Also called: Neoplastic Syndromes, Hereditary; Tumor predisposition; Hereditary Cancer Syndrome; Hereditary neoplastic syndrome. Identifiers: Orphanet 140162, MedGen C0027672, MeSH D009386, MONDO:0015356.
Retinoblastoma (RB1). Also called: RETINOBLASTOMA, SOMATIC. Identifiers: Orphanet 790, MedGen C0035335, MeSH D012175, MONDO:0008380, OMIM 180200, HP:0009919. Disease mechanism: loss of function. Inheritance: Both sporadic and heritable forms are tested..

Submissions (3):

Color Diagnostics, LLC DBA Color Health
Classification: Uncertain significance for Retinoblastoma. Last evaluated: 2025-10-03. Review status: criteria provided, single submitter. Criteria: ACMG Guidelines, 2015. Collection method: clinical testing. Allele origin: germline.
Comment: This missense variant replaces valine with isoleucine at codon 291 of the RB1 protein. Computational prediction suggests that this variant may not impact protein structure and function. To our knowledge, functional studies have not been reported for this variant. This variant has not been reported in individuals affected with RB1-related disorders in the literature. This variant has not been identified in the general population by the Genome Aggregation Database (gnomAD). The available evidence is insufficient to determine the role of this variant in disease conclusively. Therefore, this variant is classified as a Variant of Uncertain Significance.

Ambry Genetics
Classification: Uncertain significance for Hereditary cancer-predisposing syndrome. Last evaluated: 2024-07-03. Review status: criteria provided, single submitter. Criteria: Ambry Variant Classification Scheme 2023. Collection method: clinical testing. Allele origin: germline.
Comment: The p.V291I variant (also known as c.871G>A), located in coding exon 9 of the RB1 gene, results from a G to A substitution at nucleotide position 871. The valine at codon 291 is replaced by isoleucine, an amino acid with highly similar properties. This amino acid position is highly conserved in available vertebrate species. In addition, the in silico prediction for this alteration is inconclusive. Based on the available evidence, the clinical significance of this variant remains unclear.

Labcorp Genetics (formerly Invitae), Labcorp
Classification: Uncertain significance for Retinoblastoma. Last evaluated: 2024-05-07. Review status: criteria provided, single submitter. Criteria: Invitae Variant Classification Sherloc (09022015). Collection method: clinical testing. Allele origin: germline.
Comment: This sequence change replaces valine, which is neutral and non-polar, with isoleucine, which is neutral and non-polar, at codon 291 of the RB1 protein (p.Val291Ile). This variant is not present in population databases (gnomAD no frequency). This variant has not been reported in the literature in individuals affected with RB1-related conditions. ClinVar contains an entry for this variant (Variation ID: 1764438). Advanced modeling of protein sequence and biophysical properties (such as structural, functional, and spatial information, amino acid conservation, physicochemical variation, residue mobility, and thermodynamic stability) performed at Invitae indicates that this missense variant is not expected to disrupt RB1 protein function with a negative predictive value of 80%. In summary, the available evidence is currently insufficient to determine the role of this variant in disease. Therefore, it has been classified as a Variant of Uncertain Significance.